The following is an entry in ClinVar:

ClinVar aggregate classification (germline): Uncertain significance (1 of 4 stars; one submission).

Submission:

Labcorp Genetics (formerly Invitae), Labcorp
Classification: Uncertain significance. Last evaluated: 2022-05-17. Review status: criteria provided, single submitter. Criteria: Invitae Variant Classification Sherloc (09022015). Collection method: clinical testing. Allele origin: germline.
Comment: This variant has not been reported in the literature in individuals affected with TRAF3IP1-related conditions. Information on the frequency of this variant in the gnomAD database is not available, as this variant may be reported differently in the database. This variant, c.804_805delinsTT, is a complex sequence change that results in the deletion of 2 and insertion of 2 amino acid(s) in the TRAF3IP1 protein (p.Glu268_Arg269delinsAspCys). Experimental studies and prediction algorithms are not available or were not evaluated, and the functional significance of this variant is currently unknown. In summary, the available evidence is currently insufficient to determine the role of this variant in disease. Therefore, it has been classified as a Variant of Uncertain Significance.

NM_015650.4(TRAF3IP1):c.804_805delinsTT (p.Glu268_Arg269delinsAspCys)

Gene: TRAF3IP1 (TRAF3 interacting protein 1; plus strand). Cytogenetic location: 2q37.3.
Variant type: Indel.
Coding change: c.804_805delinsTT on transcript NM_015650.4 (MANE Select); coding-DNA positions 804 to 805, GC replaced by TT.
Protein change: p.Glu268_Arg269delinsAspCys.
Molecular consequence: missense variant.
Genome position (GRCh38, 1-based): chr2:238,329,231-238,329,232, GC replaced by TT. VCF-style: chr2-238329231-GC-TT. GRCh37 (hg19) VCF-style: chr2-239237872-GC-TT.
Other names: c.804_805delinsTT, p.Glu268_Arg269delinsAspCys (NM_001139490.1).
Identifiers: ClinVar variation 1995736 (VCV001995736.4), dbSNP rs2469616606, ClinGen allele CA2580067928.